The following is an entry in ClinVar:

ClinVar aggregate classification (germline): Uncertain significance (1 of 4 stars; one submission).

Conditions:
Inborn genetic diseases. Identifiers: MedGen C0950123, MeSH D030342.

Allele frequency attached by ClinVar (database versions not stated): gnomAD exomes below 0.00001.
gnomAD v4.1: 2 of 1,613,914 alleles (0.00012%); highest among the groups gnomAD compares: Non-Finnish European, 0.00017%; no homozygotes.

Submission:

Ambry Genetics
Classification: Uncertain significance for Inborn genetic diseases. Last evaluated: 2023-10-23. Review status: criteria provided, single submitter. Criteria: Ambry Variant Classification Scheme 2023. Collection method: clinical testing. Allele origin: germline.
Comment: The p.H292R variant (also known as c.875A>G), located in coding exon 7 of the MCOLN1 gene, results from an A to G substitution at nucleotide position 875. The histidine at codon 292 is replaced by arginine, an amino acid with highly similar properties. This amino acid position is conserved. In addition, this alteration is predicted to be tolerated by in silico analysis. Since supporting evidence is limited at this time, the clinical significance of this alteration remains unclear.

NM_020533.3(MCOLN1):c.875A>G (p.His292Arg)

Gene: MCOLN1 (mucolipin TRP cation channel 1; plus strand). Cytogenetic location: 19p13.2.
Variant type: single nucleotide variant.
Coding change: c.875A>G on transcript NM_020533.3 (MANE Select); coding-DNA position 875, A replaced by G.
Protein change: p.His292Arg; replaces histidine 292 with arginine.
Molecular consequence: missense variant.
Genome position (GRCh38, 1-based): chr19:7,528,255, A>G. VCF-style: chr19-7528255-A-G. GRCh37 (hg19) VCF-style: chr19-7593141-A-G.
Other names: short protein forms H292R.
Identifiers: ClinVar variation 3227398 (VCV003227398.1), dbSNP rs2512471543, ClinGen allele CA403085001.